The following is an entry in ClinVar:

ClinVar aggregate classification (germline): Uncertain significance. Review status: criteria provided, multiple submitters, no conflicts (2 of 4 stars). 2 submissions from 2 submitters: Uncertain significance (2). Last evaluated 2025-10-12.

Conditions:
Cardiovascular phenotype. Identifiers: MedGen CN230736.
Progressive familial heart block type IB (PFHB1B). Identifiers: Orphanet 871, MedGen C1970298, MONDO:0011474, OMIM 604559.

Submissions (2):

Ambry Genetics
Classification: Uncertain significance for Cardiovascular phenotype. Last evaluated: 2025-10-12. Review status: criteria provided, single submitter. Criteria: Ambry Variant Classification Scheme 2023. Collection method: clinical testing. Allele origin: germline.
Comment: The p.G838V variant (also known as c.2513G>T), located in coding exon 17 of the TRPM4 gene, results from a G to T substitution at nucleotide position 2513. The glycine at codon 838 is replaced by valine, an amino acid with dissimilar properties. This amino acid position is conserved. In addition, this alteration is predicted to be tolerated by in silico analysis. Based on the available evidence, the clinical significance of this variant remains unclear.

Labcorp Genetics (formerly Invitae), Labcorp
Classification: Uncertain significance for Progressive familial heart block type IB. Last evaluated: 2024-10-17. Review status: criteria provided, single submitter. Criteria: Invitae Variant Classification Sherloc (09022015). Collection method: clinical testing. Allele origin: germline.
Comment: This sequence change replaces glycine, which is neutral and non-polar, with valine, which is neutral and non-polar, at codon 838 of the TRPM4 protein (p.Gly838Val). This variant is not present in population databases (gnomAD no frequency). This variant has not been reported in the literature in individuals affected with TRPM4-related conditions. ClinVar contains an entry for this variant (Variation ID: 1447777). An algorithm developed to predict the effect of missense changes on protein structure and function (PolyPhen-2) suggests that this variant is likely to be disruptive. In summary, the available evidence is currently insufficient to determine the role of this variant in disease. Therefore, it has been classified as a Variant of Uncertain Significance.

NM_017636.4(TRPM4):c.2513G>T (p.Gly838Val)

Gene: TRPM4 (transient receptor potential cation channel subfamily M member 4; plus strand). Cytogenetic location: 19q13.33.
Variant type: single nucleotide variant.
Coding change: c.2513G>T on transcript NM_017636.4 (MANE Select); coding-DNA position 2513, G replaced by T.
Protein change: p.Gly838Val; replaces glycine 838 with valine.
Molecular consequence: missense variant. On other transcripts: intron variant (1).
Genome position (GRCh38, 1-based): chr19:49,196,742, G>T. VCF-style: chr19-49196742-G-T. GRCh37 (hg19) VCF-style: chr19-49699999-G-T.
Other names: c.2513G>T (NM_017636.3); c.2168G>T, p.Gly723Val (NM_001321281.2); c.905G>T, p.Gly302Val (NM_001321282.2); c.1991G>T, p.Gly664Val (NM_001321283.2); c.1451G>T, p.Gly484Val (NM_001321285.2); c.2211-3558G>T (NM_001195227.2); short protein forms G484V, G664V, G723V, G302V, G838V.
Identifiers: ClinVar variation 1447777 (VCV001447777.7), dbSNP rs2123044062, ClinGen allele CA406809380.
Genomic context (GRCh38, chr19:49,196,742, plus strand): 5'-ATTTCTGGGCTTTCACGCTGCTGTGCGAGGAACTGCGCCAGGGCCTGAGCGGAGGCGGGG[G>T]CAGCCTCGCCAGCGGGGGCCCCGGGCCTGGCCATGCCTCACTGAGCCAGCGCCTGCGCCT-3'
Protein context (NP_060106.2, residues 828-848): ELRQGLSGGG[Gly838Val]SLASGGPGPG